The following is an entry in ClinVar:

NM_002907.4(RECQL):c.325G>A (p.Val109Ile)

Gene: RECQL (RecQ like helicase; minus strand). Cytogenetic location: 12p12.1.
Variant type: single nucleotide variant.
Coding change: c.325G>A on transcript NM_002907.4 (MANE Select); coding-DNA position 325, G replaced by A.
Protein change: p.Val109Ile; replaces valine 109 with isoleucine.
Molecular consequence: missense variant.
Genome position (GRCh38, 1-based): chr12:21,490,268, C>T on the plus strand (G>A on the coding strand, the complement: RECQL is on the minus strand). VCF-style: chr12-21490268-C-T. GRCh37 (hg19) VCF-style: chr12-21643202-C-T.
Other names: c.325G>A, p.Val109Ile (NM_032941.3); short protein forms V109I.
Identifiers: ClinVar variation 1424704 (VCV001424704.10), dbSNP rs200060542, ClinGen allele CA6479130.

ClinVar aggregate classification (germline): Conflicting classifications of pathogenicity. Review status: criteria provided, conflicting classifications (1 of 4 stars). 3 submissions from 3 submitters: Uncertain significance (2); Likely benign (1). Last evaluated 2025-08-03.

Allele frequency attached by ClinVar (database versions not stated): gnomAD exomes 0.00001; ExAC 0.00002; TOPMed 0.00003; gnomAD 0.00005; 1000 Genomes Project 30x 0.00016; 1000 Genomes Project 0.00020.
gnomAD v4.1: 13 of 1,612,948 alleles (0.00081%); highest among the groups gnomAD compares: African/African-American, 0.016%; no homozygotes.

Submissions (3):

Ambry Genetics
Classification: Likely benign. Last evaluated: 2025-08-03. Review status: criteria provided, single submitter. Criteria: Ambry Variant Classification Scheme 2023. Collection method: clinical testing. Allele origin: germline.

GeneDx
Classification: Uncertain significance. Last evaluated: 2023-11-09. Review status: criteria provided, single submitter. Criteria: GeneDx Variant Classification Process June 2021. Collection method: clinical testing. Allele origin: germline. Affected: yes.
Comment: Located in the critical helicase region and RecA-like domain D1 (PMID: 19151156, 27248010); In silico analysis supports that this missense variant does not alter protein structure/function; Has not been previously published as pathogenic or benign to our knowledge; Variants in candidate genes are classified as variants of uncertain significance in accordance with ACMG guidelines (PMID: 25741868); This variant is associated with the following publications: (PMID: 19151156, 27248010)

Labcorp Genetics (formerly Invitae), Labcorp
Classification: Uncertain significance. Last evaluated: 2021-09-23. Review status: criteria provided, single submitter. Criteria: Invitae Variant Classification Sherloc (09022015). Collection method: clinical testing. Allele origin: germline.
Comment: This sequence change replaces valine with isoleucine at codon 109 of the RECQL protein (p.Val109Ile). The valine residue is moderately conserved and there is a small physicochemical difference between valine and isoleucine. This variant is present in population databases (rs200060542, ExAC 0.02%). This variant has not been reported in the literature in individuals affected with RECQL-related conditions. Algorithms developed to predict the effect of missense changes on protein structure and function output the following: SIFT: "Tolerated"; PolyPhen-2: "Benign"; Align-GVGD: "Class C0". The isoleucine amino acid residue is found in multiple mammalian species, which suggests that this missense change does not adversely affect protein function. In summary, the available evidence is currently insufficient to determine the role of this variant in disease. Therefore, it has been classified as a Variant of Uncertain Significance.